The following is an entry in ClinVar:

ClinVar aggregate classification (germline): Uncertain significance (1 of 4 stars; one submission).

Conditions:
Cardiovascular phenotype. Identifiers: MedGen CN230736.

Submission:

Ambry Genetics
Classification: Uncertain significance for Cardiovascular phenotype. Last evaluated: 2024-10-14. Review status: criteria provided, single submitter. Criteria: Ambry Variant Classification Scheme 2023. Collection method: clinical testing. Allele origin: germline.
Comment: The p.A75D variant (also known as c.224C>A), located in coding exon 3 of the PTPN11 gene, results from a C to A substitution at nucleotide position 224. The alanine at codon 75 is replaced by aspartic acid, an amino acid with dissimilar properties. This amino acid position is conserved. In addition, this alteration is predicted to be deleterious by in silico analysis. Based on the available evidence, the clinical significance of this variant remains unclear.

NM_002834.5(PTPN11):c.224C>A (p.Ala75Asp)

Gene: PTPN11 (protein tyrosine phosphatase non-receptor type 11; plus strand). Cytogenetic location: 12q24.13.
Variant type: single nucleotide variant.
Coding change: c.224C>A on transcript NM_002834.5 (MANE Select); coding-DNA position 224, C replaced by A.
Protein change: p.Ala75Asp; replaces alanine 75 with aspartic acid.
Molecular consequence: missense variant.
Genome position (GRCh38, 1-based): chr12:112,450,404, C>A. VCF-style: chr12-112450404-C-A. GRCh37 (hg19) VCF-style: chr12-112888208-C-A.
Other names: c.224C>A, p.Ala75Asp (NM_001330437.2, NM_080601.3); c.221C>A, p.Ala74Asp (NM_001374625.1); short protein forms A74D, A75D.
Identifiers: ClinVar variation 3427717 (VCV003427717.1).